The following is an entry in ClinVar:

NM_030665.4(RAI1):c.2404_2406del (p.Lys802del)

Gene: RAI1 (retinoic acid induced 1; plus strand). Cytogenetic location: 17p11.2.
Variant type: Deletion.
Coding change: c.2404_2406del on transcript NM_030665.4 (MANE Select); coding-DNA positions 2404 to 2406, 3 bases deleted (AAG; older notation c.2404_2406delAAG).
Protein change: p.Lys802del; deletes lysine 802.
Molecular consequence: inframe deletion.
Genome position (GRCh38, 1-based): chr17:17,795,352-17,795,354, AAG deleted; deleting any 3 consecutive bases within chr17:17,795,350-17,795,354 gives the same sequence; the c. name uses the placement nearest the transcript's 3' end. VCF-style (leftmost placement, unchanged base first): chr17-17795349-GAGA-G. GRCh37 (hg19) VCF-style: chr17-17698663-GAGA-G.
Other names: c.2404_2406delAAG (NM_030665.3); short protein forms K802del.
Identifiers: ClinVar variation 1564036 (VCV001564036.10), dbSNP rs779691871, ClinGen allele CA8418527.

ClinVar aggregate classification (germline): Conflicting classifications of pathogenicity. Review status: criteria provided, conflicting classifications (1 of 4 stars). 3 submissions from 3 submitters: Uncertain significance (2); Likely benign (1). Last evaluated 2025-07-02.

Conditions:
Smith-Magenis syndrome (SMS). Also called: CHROMOSOME 17p11.2 DELETION SYNDROME. Identifiers: Orphanet 819, MedGen C0795864, MONDO:0008434, OMIM 182290.
RAI1-related disorder. Also called: RAI1-related condition.

Submissions (3):

Labcorp Genetics (formerly Invitae), Labcorp
Classification: Likely benign. Last evaluated: 2025-07-02. Review status: criteria provided, single submitter. Criteria: Invitae Variant Classification Sherloc (09022015). Collection method: clinical testing. Allele origin: germline.

PreventionGenetics, part of Exact Sciences
Classification: Uncertain significance for RAI1-related condition. Last evaluated: 2025-01-31. Review status: criteria provided, single submitter. Criteria: ACMG Guidelines, 2015. Collection method: clinical testing. Allele origin: germline.
Comment: The RAI1 c.2404_2406delAAG variant is predicted to result in an in-frame deletion (p.Lys802del). This variant has been reported with uncertain significance in a child with obesity and hyperphagia (Supplementary Table 1, Roberts et al. 2022. PubMed ID: 35562395). This variant is reported in 0.025% of alleles in individuals of African descent in gnomAD, which may be too common to be a primary cause of disease. Although we suspect that this variant may be benign, at this time, the clinical significance of this variant is uncertain due to the absence of conclusive functional and genetic evidence.

ARUP Laboratories, Molecular Genetics and Genomics, ARUP Laboratories
Classification: Uncertain significance for Smith-Magenis syndrome. Last evaluated: 2024-04-20. Review status: criteria provided, single submitter. Criteria: ARUP Molecular Germline Variant Investigation Process 2024. Collection method: clinical testing. Allele origin: germline.